The following is an entry in ClinVar:

NM_000038.6(APC):c.1958+11A>T

Gene: APC (APC regulator of Wnt signaling pathway; plus strand). Cytogenetic location: 5q22.2.
Variant type: single nucleotide variant.
Coding change: c.1958+11A>T on transcript NM_000038.6 (MANE Select); 11 bases into the intron after coding-DNA position 1958, A replaced by T.
Molecular consequence: intron variant.
Genome position (GRCh38, 1-based): chr5:112,835,176, A>T. VCF-style: chr5-112835176-A-T. GRCh37 (hg19) VCF-style: chr5-112170873-A-T.
Other names: c.1109+11A>T (NM_001407470.1, NM_001354906.2); c.806+11A>T (NM_001407472.1, NM_001407471.1); c.2012+11A>T (NM_001407447.1, NM_001407448.1, NM_001407449.1 and 1 more transcripts); c.1958+11A>T (NM_001354895.2, NM_001407450.1, NM_001127510.3); c.1709+11A>T (NM_001407456.1, NM_001407457.1, NM_001407455.1 and 1 more transcripts); c.1655+11A>T (NM_001407460.1, NM_001407458.1, NM_001407459.1 and 1 more transcripts); c.1928+11A>T (NM_001407452.1); c.1571+11A>T (NM_001407469.1, NM_001407467.1); and 11 more.
Identifiers: ClinVar variation 3148616 (VCV003148616.1), dbSNP rs2533345928, ClinGen allele CA2825001358.

ClinVar aggregate classification (germline): Benign (1 of 4 stars; one submission).

Conditions:
Familial adenomatous polyposis 1 (FAP1). Also called: POLYPOSIS, ADENOMATOUS INTESTINAL; FAMILIAL ADENOMATOUS POLYPOSIS 1, ATTENUATED. Identifiers: MedGen C2713442, MONDO:0021056, OMIM 175100. Disease mechanism: loss of function.

Submission:

Myriad Genetics, Inc.
Classification: Benign for Familial adenomatous polyposis 1. Last evaluated: 2024-03-07. Review status: criteria provided, single submitter. Criteria: Myriad Autosomal Dominant, Autosomal Recessive and X-Linked Classification Criteria (2023). Collection method: clinical testing. Allele origin: unknown.
Comment: This variant is considered benign. This variant is intronic and is not expected to impact mRNA splicing.